The following is an entry in ClinVar:

NM_152383.5(DIS3L2):c.821G>A (p.Arg274Gln)

Gene: DIS3L2 (DIS3 like 3'-5' exoribonuclease 2; plus strand). Cytogenetic location: 2q37.1.
Variant type: single nucleotide variant.
Coding change: c.821G>A on transcript NM_152383.5 (MANE Select); coding-DNA position 821, G replaced by A.
Protein change: p.Arg274Gln; replaces arginine 274 with glutamine.
Molecular consequence: missense variant. On other transcripts: non-coding transcript variant (1).
Genome position (GRCh38, 1-based): chr2:232,136,590, G>A. VCF-style: chr2-232136590-G-A. GRCh37 (hg19) VCF-style: chr2-233001300-G-A.
Other names: c.821G>A, p.Arg274Gln (NM_001257281.2); short protein forms R274Q.
Identifiers: ClinVar variation 664523 (VCV000664523.14), dbSNP rs1482350666, ClinGen allele CA351153664.

ClinVar aggregate classification (germline): Uncertain significance. Review status: criteria provided, multiple submitters, no conflicts (2 of 4 stars). 2 submissions from 2 submitters: Uncertain significance (2). Last evaluated 2024-06-24.

Conditions:
Perlman syndrome (PRLMNS). Identifiers: Orphanet 2849, MedGen C0796113, MONDO:0009965, OMIM 267000.

Allele frequency attached by ClinVar (database versions not stated): gnomAD exomes below 0.00001 and 0.00001; TOPMed below 0.00001; gnomAD 0.00001.
gnomAD v4.1: 5 of 1,613,844 alleles (0.00031%); no homozygotes.

Submissions (2):

Labcorp Genetics (formerly Invitae), Labcorp
Classification: Uncertain significance for Perlman syndrome. Last evaluated: 2024-06-24. Review status: criteria provided, single submitter. Criteria: Invitae Variant Classification Sherloc (09022015). Collection method: clinical testing. Allele origin: germline.
Comment: This sequence change replaces arginine, which is basic and polar, with glutamine, which is neutral and polar, at codon 274 of the DIS3L2 protein (p.Arg274Gln). This variant is present in population databases (no rsID available, gnomAD 0.02%). This variant has not been reported in the literature in individuals affected with DIS3L2-related conditions. ClinVar contains an entry for this variant (Variation ID: 664523). Advanced modeling of protein sequence and biophysical properties (such as structural, functional, and spatial information, amino acid conservation, physicochemical variation, residue mobility, and thermodynamic stability) performed at Invitae indicates that this missense variant is expected to disrupt DIS3L2 protein function with a positive predictive value of 80%. In summary, the available evidence is currently insufficient to determine the role of this variant in disease. Therefore, it has been classified as a Variant of Uncertain Significance.

Illumina Laboratory Services, Illumina
Classification: Uncertain significance for Perlman syndrome. Last evaluated: 2018-01-13. Review status: criteria provided, single submitter. Criteria: ICSL Variant Classification Criteria 13 December 2019. Collection method: clinical testing. Allele origin: germline.